The following is an entry in ClinVar:

ClinVar aggregate classification (germline): Conflicting classifications of pathogenicity. Review status: criteria provided, conflicting classifications (1 of 4 stars). 5 submissions from 5 submitters: Uncertain significance (3); Benign (1); Likely benign (1). Last evaluated 2025-12-22.

Conditions:
Tuberous sclerosis 2 (TSC2). Identifiers: Orphanet 805, MedGen C1860707, MONDO:0013199, OMIM 613254.
Hereditary cancer-predisposing syndrome. Also called: Neoplastic Syndromes, Hereditary; Hereditary neoplastic syndrome; Tumor predisposition; Hereditary Cancer Syndrome. Identifiers: Orphanet 140162, MedGen C0027672, MeSH D009386, MONDO:0015356.
Tuberous sclerosis syndrome (TSC). Also called: Tuberous Sclerosis Complex; Tuberous sclerosis. Identifiers: Orphanet 805, MedGen C0041341, MONDO:0001734.

Allele frequency attached by ClinVar (database versions not stated): TOPMed 0.00001; ExAC 0.00002; ESP Exome Variant Server 0.00015.
gnomAD v4.1: 18 of 1,613,426 alleles (0.0011%); highest among the groups gnomAD compares: Non-Finnish European, 0.0014%; no homozygotes.

Submissions (5):

Labcorp Genetics (formerly Invitae), Labcorp
Classification: Benign for Tuberous sclerosis 2. Last evaluated: 2025-12-22. Review status: criteria provided, single submitter. Criteria: Invitae Variant Classification Sherloc (09022015). Collection method: clinical testing. Allele origin: germline.

Color Diagnostics, LLC DBA Color Health
Classification: Likely benign for Tuberous sclerosis syndrome. Last evaluated: 2025-09-11. Review status: criteria provided, single submitter. Criteria: ACMG Guidelines, 2015. Collection method: clinical testing. Allele origin: germline.

Ambry Genetics
Classification: Uncertain significance for Hereditary cancer-predisposing syndrome. Last evaluated: 2025-07-05. Review status: criteria provided, single submitter. Criteria: Ambry Variant Classification Scheme 2023. Collection method: clinical testing. Allele origin: germline.
Comment: The p.E532Q variant (also known as c.1594G>C), located in coding exon 14 of the TSC2 gene, results from a G to C substitution at nucleotide position 1594. The glutamic acid at codon 532 is replaced by glutamine, an amino acid with highly similar properties. This amino acid position is well conserved in available vertebrate species. In addition, the in silico prediction for this alteration is inconclusive. Since supporting evidence is limited at this time, the clinical significance of this alteration remains unclear.

Genome-Nilou Lab
Classification: Uncertain significance for Tuberous sclerosis 2. Last evaluated: 2021-11-07. Review status: criteria provided, single submitter. Criteria: ACMG Guidelines, 2015. Collection method: clinical testing. Allele origin: germline. Affected: no.

GeneDx
Classification: Uncertain significance. Last evaluated: 2019-04-18. Review status: criteria provided, single submitter. Criteria: GeneDx Variant Classification Process June 2021. Collection method: clinical testing. Allele origin: germline. Affected: yes.
Comment: Has not been previously published as pathogenic or benign to our knowledge

NM_000548.5(TSC2):c.1594G>C (p.Glu532Gln)

Gene: TSC2 (TSC complex subunit 2; plus strand). Cytogenetic location: 16p13.3.
Variant type: single nucleotide variant.
Coding change: c.1594G>C on transcript NM_000548.5 (MANE Select); coding-DNA position 1594, G replaced by C.
Protein change: p.Glu532Gln; replaces glutamic acid 532 with glutamine.
Molecular consequence: missense variant.
Genome position (GRCh38, 1-based): chr16:2,064,422, G>C. VCF-style: chr16-2064422-G-C. GRCh37 (hg19) VCF-style: chr16-2114423-G-C.
Other names: c.1594G>C, p.Glu532Gln (NM_001077183.3, NM_001114382.3, NM_001363528.2 and 3 more transcripts); c.1483G>C, p.Glu495Gln (NM_001318827.2); c.1447G>C, p.Glu483Gln (NM_001318829.2); c.994G>C, p.Glu332Gln (NM_001318831.2); c.1627G>C, p.Glu543Gln (NM_001318832.2); short protein forms E332Q, E483Q, E532Q, E543Q, E495Q.
Identifiers: ClinVar variation 838403 (VCV000838403.16), dbSNP rs149222396, ClinGen allele CA031157.
Genomic context (GRCh38, chr16:2,064,422, plus strand): 5'-CTGGTGGACCTGGCAGAGGGCTGCCACACACACCACTTCAACAGCCTGCTGGACATCATC[G>C]AGAAGGTGAGAGCCGTTGTACCCGGGGCCGGGTGCTAGCGTGCCAGAGCTCCGTGGGCAG-3'
Protein context (NP_000539.2, residues 522-542): HHFNSLLDII[Glu532Gln]KVMARSLSPP